The following is an entry in ClinVar:

ClinVar aggregate classification (germline): Uncertain significance (1 of 4 stars; one submission).

Submission:

Labcorp Genetics (formerly Invitae), Labcorp
Classification: Uncertain significance. Last evaluated: 2024-07-12. Review status: criteria provided, single submitter. Criteria: Invitae Variant Classification Sherloc (09022015). Collection method: clinical testing. Allele origin: germline.
Comment: This sequence change replaces glycine, which is neutral and non-polar, with arginine, which is basic and polar, at codon 2059 of the NOTCH3 protein (p.Gly2059Arg). This variant is not present in population databases (gnomAD no frequency). This variant has not been reported in the literature in individuals affected with NOTCH3-related conditions. Advanced modeling of protein sequence and biophysical properties (such as structural, functional, and spatial information, amino acid conservation, physicochemical variation, residue mobility, and thermodynamic stability) performed at Invitae indicates that this missense variant is not expected to disrupt NOTCH3 protein function with a negative predictive value of 95%. In summary, the available evidence is currently insufficient to determine the role of this variant in disease. Therefore, it has been classified as a Variant of Uncertain Significance.

NM_000435.3(NOTCH3):c.6175G>A (p.Gly2059Arg)

Gene: NOTCH3 (notch receptor 3; minus strand). Cytogenetic location: 19p13.12.
Variant type: single nucleotide variant.
Coding change: c.6175G>A on transcript NM_000435.3 (MANE Select); coding-DNA position 6175, G replaced by A.
Protein change: p.Gly2059Arg; replaces glycine 2059 with arginine.
Molecular consequence: missense variant.
Genome position (GRCh38, 1-based): chr19:15,161,453, C>T on the plus strand (G>A on the coding strand, the complement: NOTCH3 is on the minus strand). VCF-style: chr19-15161453-C-T. GRCh37 (hg19) VCF-style: chr19-15272264-C-T.
Other names: short protein forms G2059R.
Identifiers: ClinVar variation 3636200 (VCV003636200.2).